The following is an entry in ClinVar:

ClinVar aggregate classification (germline): Uncertain significance. Review status: criteria provided, multiple submitters, no conflicts (2 of 4 stars). 6 submissions from 6 submitters: Uncertain significance (5). 1 of the submissions does not count toward it. Last evaluated 2026-06-22.

Conditions:
Pituitary adenoma 5, multiple types. Identifiers: MedGen C4539685, MONDO:0054601, OMIM 617540.
Autosomal recessive nonsyndromic hearing loss 12. Also called: DEAFNESS, AUTOSOMAL RECESSIVE 12. Identifiers: Orphanet 90636, MedGen C1832394, MONDO:0011067, OMIM 601386.
Usher syndrome type 1D (USH1D). Also called: USHER SYNDROME, TYPE ID. Identifiers: Orphanet 231169, Orphanet 886, MedGen C1832845, MONDO:0010984, OMIM 601067.
Usher syndrome type 1 (USH1). Also called: RETINITIS PIGMENTOSA AND CONGENITAL DEAFNESS. Identifiers: Orphanet 231169, Orphanet 886, MedGen C1568247, MONDO:0010168, OMIM 276900.

Allele frequency attached by ClinVar (database versions not stated): gnomAD 0.00001; gnomAD exomes 0.00003 and 0.00007; TOPMed 0.00003; ExAC 0.00006; 1000 Genomes Project 0.00020; 1000 Genomes Project 30x 0.00031.
gnomAD v4.1: 47 of 1,613,852 alleles (0.0029%); highest among the groups gnomAD compares: Admixed American, 0.02%; no homozygotes.

Submissions (6):

Women's Health and Genetics/Laboratory Corporation of America, LabCorp
Classification: Uncertain significance. Last evaluated: 2026-06-22. Review status: criteria provided, single submitter. Criteria: LabCorp Variant Classification Summary - May 2015. Collection method: clinical testing. Allele origin: germline.
Comment: Variant summary: CDH23 c.5945A>G (p.Asn1982Ser) results in a conservative amino acid change in the encoded protein sequence. Algorithms developed to predict the effect of missense changes on protein structure and function are either unavailable or do not agree on the potential impact of this missense change. The variant allele was found at a frequency of 7.3e-05 in 247390 control chromosomes. This frequency is not significantly higher than estimated for disease-causing variants in CDH23, allowing no conclusion about variant significance. c.5945A>G has been observed in compound heterozygous individual(s) affected with CDH23-related conditions (e.g. vanBeeckCalkoen_2019). These report(s) do not provide unequivocal conclusions about association of the variant with disease. To our knowledge, no experimental evidence demonstrating an impact on protein function has been reported. The following publication has been ascertained in the context of this evaluation (PMID: 31152317). ClinVar contains an entry for this variant (Variation ID: 422021). Based on the evidence outlined above, the variant was classified as uncertain significance.

GeneDx
Classification: Uncertain significance. Last evaluated: 2025-11-19. Review status: criteria provided, single submitter. Criteria: GeneDx Variant Classification Process June 2021. Collection method: clinical testing. Allele origin: germline. Affected: yes.
Comment: Reported with a second variant (phase unknown) in a patient with sensorineural hearing loss in published literature (PMID: 31152317); In silico analysis suggests that this missense variant does not alter protein structure/function; This variant is associated with the following publications: (PMID: 31152317)

Labcorp Genetics (formerly Invitae), Labcorp
Classification: Uncertain significance. Last evaluated: 2022-10-13. Review status: criteria provided, single submitter. Criteria: Invitae Variant Classification Sherloc (09022015). Collection method: clinical testing. Allele origin: germline.
Comment: This sequence change replaces asparagine, which is neutral and polar, with serine, which is neutral and polar, at codon 1982 of the CDH23 protein (p.Asn1982Ser). This variant is present in population databases (rs555432123, gnomAD 0.03%). This missense change has been observed in individual(s) with hearing loss (PMID: 31152317). ClinVar contains an entry for this variant (Variation ID: 422021). Advanced modeling of protein sequence and biophysical properties (such as structural, functional, and spatial information, amino acid conservation, physicochemical variation, residue mobility, and thermodynamic stability) performed at Invitae indicates that this missense variant is not expected to disrupt CDH23 protein function. Algorithms developed to predict the effect of sequence changes on RNA splicing suggest that this variant may disrupt the consensus splice site. In summary, the available evidence is currently insufficient to determine the role of this variant in disease. Therefore, it has been classified as a Variant of Uncertain Significance.

Blueprint Genetics
Classification: Uncertain significance. Last evaluated: 2022-01-27. Review status: criteria provided, single submitter. Criteria: ACMG Guidelines, 2015. Collection method: clinical testing. Allele origin: germline.

Fulgent Genetics
Classification: Uncertain significance for Usher syndrome type 1D; Autosomal recessive nonsyndromic hearing loss 12; Pituitary adenoma 5, multiple types. Last evaluated: 2018-10-31. Review status: criteria provided, single submitter. Criteria: ACMG Guidelines, 2015. Collection method: clinical testing. Allele origin: unknown.

Natera, Inc.
Classification: Uncertain significance for Usher syndrome type 1. Last evaluated: 2020-09-16. Review status: no assertion criteria provided. Collection method: clinical testing. Allele origin: germline. Not counted in ClinVar's aggregate classification.

Literature cited by the submitters: PubMed 31152317 (cited by Women's Health and Genetics/Laboratory Corporation of America, LabCorp and Labcorp Genetics (formerly Invitae), Labcorp).

NM_022124.6(CDH23):c.5945A>G (p.Asn1982Ser)

Gene: CDH23 (cadherin related 23; plus strand). Cytogenetic location: 10q22.1.
Variant type: single nucleotide variant.
Coding change: c.5945A>G on transcript NM_022124.6 (MANE Select); coding-DNA position 5945, A replaced by G.
Protein change: p.Asn1982Ser; replaces asparagine 1982 with serine.
Molecular consequence: missense variant.
Genome position (GRCh38, 1-based): chr10:71,790,309, A>G. VCF-style: chr10-71790309-A-G. GRCh37 (hg19) VCF-style: chr10-73550066-A-G.
Other names: short protein forms N1982S.
Identifiers: ClinVar variation 422021 (VCV000422021.12), dbSNP rs555432123, ClinGen allele CA5545947.